The following is an entry in ClinVar:

ClinVar aggregate classification (germline): Conflicting classifications of pathogenicity. Review status: criteria provided, conflicting classifications (1 of 4 stars). 3 submissions from 3 submitters: Pathogenic (1); Likely pathogenic (1); Uncertain significance (1). Last evaluated 2025-11-03.

Conditions:
UROD-related disorder. Also called: UROD-related disorders; UROD-related condition.

Allele frequency attached by ClinVar (database versions not stated): gnomAD exomes below 0.00001; gnomAD 0.00001; TOPMed 0.00001.

Submissions (3):

Labcorp Genetics (formerly Invitae), Labcorp
Classification: Pathogenic. Last evaluated: 2025-11-03. Review status: criteria provided, single submitter. Criteria: Invitae Variant Classification Sherloc (09022015). Collection method: clinical testing. Allele origin: germline.
Comment: This sequence change replaces arginine, which is basic and polar, with glutamine, which is neutral and polar, at codon 142 of the UROD protein (p.Arg142Gln). This variant is present in population databases (no rsID available, gnomAD 0.004%). This missense change has been observed in individual(s) with autosomal dominant porphyria cutanea tarda (PMID: 11295834, 19419417; internal data). ClinVar contains an entry for this variant (Variation ID: 1685202). Invitae Evidence Modeling of protein sequence and biophysical properties (such as structural, functional, and spatial information, amino acid conservation, physicochemical variation, residue mobility, and thermodynamic stability) indicates that this missense variant is expected to disrupt UROD protein function with a positive predictive value of 80%. For these reasons, this variant has been classified as Pathogenic.

Mendelics
Classification: Uncertain significance. Last evaluated: 2022-05-04. Review status: criteria provided, single submitter. Criteria: Mendelics Assertion Criteria 2019. Collection method: clinical testing. Allele origin: germline.

Blueprint Genetics
Classification: Likely pathogenic for UROD-related disorders. Last evaluated: 2017-06-02. Review status: criteria provided, single submitter. Criteria: ACMG Guidelines, 2015. Collection method: clinical testing. Allele origin: germline. Affected: yes. Observed: 1 variant allele.

Literature cited by the submitters: PubMed 11295834 (cited by Labcorp Genetics (formerly Invitae), Labcorp); PubMed 19419417 (cited by Labcorp Genetics (formerly Invitae), Labcorp).

NM_000374.5(UROD):c.425G>A (p.Arg142Gln)

Gene: UROD (uroporphyrinogen decarboxylase; plus strand). Cytogenetic location: 1p34.1.
Variant type: single nucleotide variant.
Coding change: c.425G>A on transcript NM_000374.5 (MANE Select); coding-DNA position 425, G replaced by A.
Protein change: p.Arg142Gln; replaces arginine 142 with glutamine.
Molecular consequence: missense variant. On other transcripts: non-coding transcript variant (3).
Genome position (GRCh38, 1-based): chr1:45,013,742, G>A. VCF-style: chr1-45013742-G-A. GRCh37 (hg19) VCF-style: chr1-45479414-G-A.
Other names: short protein forms R142Q.
Identifiers: ClinVar variation 1685202 (VCV001685202.5), dbSNP rs1182234844, ClinGen allele CA340118043.